The following is an entry in ClinVar:

ClinVar aggregate classification (germline): Uncertain significance (1 of 4 stars; one submission).

Conditions:
Koolen-de Vries syndrome (KDVS). Identifiers: Orphanet 96169, MedGen C1864871, MONDO:0012496, OMIM 610443.

Submission:

Labcorp Genetics (formerly Invitae), Labcorp
Classification: Uncertain significance for Koolen-de Vries syndrome. Last evaluated: 2023-01-05. Review status: criteria provided, single submitter. Criteria: Invitae Variant Classification Sherloc (09022015). Collection method: clinical testing. Allele origin: germline.
Comment: In summary, the available evidence is currently insufficient to determine the role of this variant in disease. Therefore, it has been classified as a Variant of Uncertain Significance. Advanced modeling of protein sequence and biophysical properties (such as structural, functional, and spatial information, amino acid conservation, physicochemical variation, residue mobility, and thermodynamic stability) performed at Invitae indicates that this missense variant is not expected to disrupt KANSL1 protein function. ClinVar contains an entry for this variant (Variation ID: 945983). This variant has not been reported in the literature in individuals affected with KANSL1-related conditions. This variant is not present in population databases (gnomAD no frequency). This sequence change replaces alanine, which is neutral and non-polar, with glycine, which is neutral and non-polar, at codon 709 of the KANSL1 protein (p.Ala709Gly).

NM_015443.4(KANSL1):c.2126C>G (p.Ala709Gly)

Gene: KANSL1 (KAT8 regulatory NSL complex subunit 1). Cytogenetic location: 17q21.31.
Variant type: single nucleotide variant.
Coding change: c.2126C>G on transcript NM_015443.4 (MANE Select); coding-DNA position 2126, C replaced by G.
Protein change: p.Ala709Gly; replaces alanine 709 with glycine.
Molecular consequence: missense variant.
Genome position (GRCh38, 1-based): chr17:46,039,779, G>C on the plus strand (C>G on the coding strand, the complement: KANSL1 is on the minus strand). VCF-style: chr17-46039779-G-C. GRCh37 (hg19) VCF-style: chr17-44117145-G-C.
Other names: c.2126C>G, p.Ala709Gly (NM_001193465.2, NM_001193466.2, NM_001379198.1); short protein forms A709G.
Identifiers: ClinVar variation 945983 (VCV000945983.7), dbSNP rs2077259076, ClinGen allele CA399982282.
Genomic context (GRCh38, chr17:46,039,779, plus strand): 5'-GAGCTGACCAATTTGTGCCTGTCCTTACGAGCTGAATCTGGCAGACTGCCCGGCATGGGT[G>C]CTCTGTGCTTAAGCGATAACTTTTTGGGAGGTTTGATTTTGTCAAAAGGCTTGTTCTGCC-3'
Protein context (NP_056258.1, residues 699-719): PPKKLSLKHR[Ala709Gly]PMPGSLPDSA